The following is an entry in ClinVar:

NM_024656.4(COLGALT1):c.1284G>A (p.Leu428=)

Gene: COLGALT1 (collagen beta(1-O)galactosyltransferase 1; plus strand). Cytogenetic location: 19p13.11.
Variant type: single nucleotide variant.
Coding change: c.1284G>A on transcript NM_024656.4 (MANE Select); coding-DNA position 1284, G replaced by A.
Protein change: p.Leu428=; no amino-acid change (leucine 428 retained).
Molecular consequence: synonymous variant.
Genome position (GRCh38, 1-based): chr19:17,579,499, G>A. VCF-style: chr19-17579499-G-A. GRCh37 (hg19) VCF-style: chr19-17690308-G-A.
Other names: c.1284G>A (NM_024656.3).
Identifiers: ClinVar variation 2084653 (VCV002084653.6), dbSNP rs147915782, ClinGen allele CA9297259.
Genomic context (GRCh38, chr19:17,579,499, plus strand): 5'-TGGCCTTGGCCTCCCTGTGATGTGGCGGGGCTTCCTCCCTCAGGTGGTGGACCGGGGGCT[G>A]CAGAAATCGCTTGTGTTTGAGGATGACCTGCGTTTTGAGATCTTCTTCAAGAGACGTCTG-3'
Protein context (NP_078932.2, residues 418-438): NIWKEVVDRG[Leu428=]QKSLVFEDDL

ClinVar aggregate classification (germline): Benign. Review status: criteria provided, single submitter (1 of 4 stars). 2 submissions from 2 submitters: Benign (1). 1 of the submissions does not count toward it. Last evaluated 2025-05-06.

Conditions:
COLGALT1-related disorder. Also called: COLGALT1-related condition.

Allele frequency attached by ClinVar (database versions not stated): gnomAD exomes 0.00009; ExAC 0.00029; 1000 Genomes Project 30x 0.00047; 1000 Genomes Project 0.00060; gnomAD 0.00084; ESP Exome Variant Server 0.00100; TOPMed 0.00109.
gnomAD v4.1: 267 of 1,614,158 alleles (0.017%); highest among the groups gnomAD compares: African/African-American, 0.31%; no homozygotes.

Submissions (2):

Labcorp Genetics (formerly Invitae), Labcorp
Classification: Benign. Last evaluated: 2025-05-06. Review status: criteria provided, single submitter. Criteria: Invitae Variant Classification Sherloc (09022015). Collection method: clinical testing. Allele origin: germline.

PreventionGenetics, part of Exact Sciences
Classification: Likely benign for COLGALT1-related condition. Last evaluated: 2019-11-27. Review status: no assertion criteria provided. Collection method: clinical testing. Allele origin: germline. Not counted in ClinVar's aggregate classification.
Comment: This variant is classified as likely benign based on ACMG/AMP sequence variant interpretation guidelines (Richards et al. 2015 PMID: 25741868, with internal and published modifications).